The following is an entry in ClinVar:

ClinVar aggregate classification (germline): Conflicting classifications of pathogenicity. Review status: criteria provided, conflicting classifications (1 of 4 stars). 2 submissions from 2 submitters: Uncertain significance (1); Likely benign (1). Last evaluated 2024-07-02.

Conditions:
Hereditary cancer-predisposing syndrome. Also called: Neoplastic Syndromes, Hereditary; Hereditary neoplastic syndrome; Hereditary Cancer Syndrome; Tumor predisposition. Identifiers: Orphanet 140162, MedGen C0027672, MeSH D009386, MONDO:0015356.
Cardiovascular phenotype. Identifiers: MedGen CN230736.

Allele frequency attached by ClinVar (database versions not stated): TOPMed below 0.00001.

Submissions (2):

Ambry Genetics
Classification: Likely benign for Cardiovascular phenotype; Hereditary cancer-predisposing syndrome. Last evaluated: 2024-07-02. Review status: criteria provided, single submitter. Criteria: Ambry Variant Classification Scheme 2023. Collection method: clinical testing. Allele origin: germline.

GeneDx
Classification: Uncertain significance. Last evaluated: 2022-07-31. Review status: criteria provided, single submitter. Criteria: GeneDx Variant Classification Process June 2021. Collection method: clinical testing. Allele origin: germline. Affected: yes.
Comment: Not observed at significant frequency in large population cohorts (gnomAD); In silico analysis supports that this missense variant does not alter protein structure/function; Has not been previously published as pathogenic or benign to our knowledge; This variant is associated with the following publications: (PMID: 25486365, 2121369)

NM_001042492.3(NF1):c.2657A>G (p.Asn886Ser)

Gene: NF1 (neurofibromin 1; plus strand). Cytogenetic location: 17q11.2.
Variant type: single nucleotide variant.
Coding change: c.2657A>G on transcript NM_001042492.3 (MANE Select); coding-DNA position 2657, A replaced by G.
Protein change: p.Asn886Ser; replaces asparagine 886 with serine.
Molecular consequence: missense variant.
Genome position (GRCh38, 1-based): chr17:31,229,272, A>G. VCF-style: chr17-31229272-A-G. GRCh37 (hg19) VCF-style: chr17-29556290-A-G.
Other names: c.2657A>G, p.Asn886Ser (NM_000267.4); short protein forms N886S.
Identifiers: ClinVar variation 2428998 (VCV002428998.4), dbSNP rs2067070365, ClinGen allele CA398984764.
Genomic context (GRCh38, chr17:31,229,272, plus strand): 5'-CCATGGGTCCAGTCAGTGAACGTAAGGGTTCTATGATTTCAGTGATGTCTTCAGAGGGAA[A>G]CGCAGATACACCTGTCAGCAAATTTATGGATCGGCTGTTGTCCTTAATGGTGTGTAACCA-3'
Protein context (NP_001035957.1, residues 876-896): SMISVMSSEG[Asn886Ser]ADTPVSKFMD